The following is an entry in ClinVar:

NM_000059.4(BRCA2):c.6938-125_6938del

Gene: BRCA2 (BRCA2 DNA repair associated; plus strand). Cytogenetic location: 13q13.1.
Variant type: Deletion.
Coding change: c.6938-125_6938del on transcript NM_000059.4 (MANE Select); 125 bases into the intron before coding-DNA position 6938 through coding-DNA position 6938, 126 bases deleted.
Molecular consequence: splice acceptor variant.
Genome position (GRCh38, 1-based): chr13:32,346,702-32,346,827, 126 bases deleted. GRCh37 (hg19): chr13:32,920,839-32,920,964.
Other names: c.6938-125_6938del (NM_001432077.1, NM_001406720.1); c.6842-125_6842del (NM_001406719.1); c.2006-125_2006del (NM_001406721.1); c.521-125_521del (NM_001406722.1).
Identifiers: ClinVar variation 3633049 (VCV003633049.2).

ClinVar aggregate classification (germline): Likely pathogenic (1 of 4 stars; one submission).

Conditions:
Hereditary breast ovarian cancer syndrome. Also called: Hereditary breast and ovarian cancer syndrome; Hereditary breast and ovarian cancer syndrome (HBOC); BRCA1- and BRCA2-Associated Hereditary Breast and Ovarian Cancer; Hereditary breast and ovarian cancer; Breast and ovarian cancer; Hereditary breast and/or ovarian cancer syndrome. Identifiers: Orphanet 145, MedGen C0677776, MeSH D061325, MONDO:0003582. Disease mechanism: loss of function.

Submission:

Labcorp Genetics (formerly Invitae), Labcorp
Classification: Likely pathogenic for Hereditary breast ovarian cancer syndrome. Last evaluated: 2024-02-02. Review status: criteria provided, single submitter. Criteria: Invitae Variant Classification Sherloc (09022015). Collection method: clinical testing. Allele origin: germline.
Comment: This variant results in the deletion of part of exon 13 (c.6938-125_6938del) of the BRCA2 gene. It is expected to disrupt RNA splicing. Variants that disrupt the donor or acceptor splice site typically lead to a loss of protein function (PMID: 16199547), and loss-of-function variants in BRCA2 are known to be pathogenic (PMID: 20104584). This variant is not present in population databases (gnomAD no frequency). This variant has not been reported in the literature in individuals affected with BRCA2-related conditions. In summary, the currently available evidence indicates that the variant is pathogenic, but additional data are needed to prove that conclusively. Therefore, this variant has been classified as Likely Pathogenic.

Literature cited by the submitters: PubMed 16199547; PubMed 20104584.